The following is an entry in ClinVar:

ClinVar aggregate classification (germline): Uncertain significance (0 of 4 stars; one submission).

Conditions:
PIEZO1-related disorder. Also called: PIEZO1-related condition; PIEZO1-Related Disorders.

Allele frequency attached by ClinVar (database versions not stated): gnomAD exomes 0.00001.
gnomAD v4.1: 11 of 1,549,412 alleles (0.00071%); highest among the groups gnomAD compares: Non-Finnish European, 0.00096%; no homozygotes.

Submission:

PreventionGenetics, part of Exact Sciences
Classification: Uncertain significance for PIEZO1-related condition. Last evaluated: 2023-12-21. Review status: no assertion criteria provided. Collection method: clinical testing. Allele origin: germline.
Comment: The PIEZO1 c.3350C>T variant is predicted to result in the amino acid substitution p.Ser1117Leu. This variant was reported with another variant in PIEZO1 in an individual with dehydrated hereditary stomatocytosis (Andolfo et al. 2013. PubMed ID: 23479567). This variant is reported in 0.0035% of alleles in individuals of European (Non-Finnish) descent in gnomAD. At this time, the clinical significance of this variant is uncertain due to the absence of conclusive functional and genetic evidence.

NM_001142864.4(PIEZO1):c.3350C>T (p.Ser1117Leu)

Gene: PIEZO1 (piezo type mechanosensitive ion channel component 1 (Er blood group); minus strand). Cytogenetic location: 16q24.3.
Variant type: single nucleotide variant.
Coding change: c.3350C>T on transcript NM_001142864.4 (MANE Select); coding-DNA position 3350, C replaced by T.
Protein change: p.Ser1117Leu; replaces serine 1117 with leucine.
Molecular consequence: missense variant.
Genome position (GRCh38, 1-based): chr16:88,727,144, G>A on the plus strand (C>T on the coding strand, the complement: PIEZO1 is on the minus strand). VCF-style: chr16-88727144-G-A. GRCh37 (hg19) VCF-style: chr16-88793552-G-A.
Other names: c.3350C>T, p.Ser1117Leu (LRG_1137t1); c.3350C>T (NM_001142864.3); short protein forms S1117L.
Identifiers: ClinVar variation 242667 (VCV000242667.3), dbSNP rs587777765, ClinGen allele CA082757.
Genomic context (GRCh38, chr16:88,727,144, plus strand): 5'-GGCTCCAGGCGGTCGGTGTTGACGCCAGCCATGCGCTGCCACTCCTCTGTGCGCTCAGCT[G>A]AGAACACCTGCCACTGCTGGGAGGCGCACAGCAGCAGGAGAAAGTCGCCTGCAGGACACA-3'
Protein context (NP_001136336.2, residues 1107-1127): LCASQQWQVF[Ser1117Leu]AERTEEWQRM